The following is an entry in ClinVar:

NM_001369.3(DNAH5):c.997C>T (p.Arg333Ter)

Gene: DNAH5 (dynein axonemal heavy chain 5; minus strand). Cytogenetic location: 5p15.2.
Variant type: single nucleotide variant.
Coding change: c.997C>T on transcript NM_001369.3 (MANE Select); coding-DNA position 997, C replaced by T.
Protein change: p.Arg333Ter; replaces arginine 333 with a stop codon.
Molecular consequence: nonsense.
Genome position (GRCh38, 1-based): chr5:13,917,235, G>A on the plus strand (C>T on the coding strand, the complement: DNAH5 is on the minus strand). VCF-style: chr5-13917235-G-A. GRCh37 (hg19) VCF-style: chr5-13917344-G-A.
Other names: short protein forms R333*.
Identifiers: ClinVar variation 573133 (VCV000573133.9), dbSNP rs771956532, ClinGen allele CA359218134.
Genomic context (GRCh38, chr5:13,917,235, plus strand): 5'-TTTCAAGTGTATACAAGTATTTCACATTGTCCTTTGCTTCATTAGTTGCATCAGTGATTC[G>A]AATATCCATCTCCCGCCAAGTCTAAGCACAATAGGGAAAAGCAATTTTAATGTAATTATT-3'

ClinVar aggregate classification (germline): Pathogenic (1 of 4 stars; one submission).

Conditions:
Primary ciliary dyskinesia. Also called: Ciliary dyskinesia. Identifiers: Orphanet 244, MedGen C0008780, MONDO:0016575, HP:0012265.

gnomAD v4.1: 11 of 1,613,566 alleles (0.00068%); highest among the groups gnomAD compares: East Asian, 0.0067%; no homozygotes.

Submission:

Labcorp Genetics (formerly Invitae), Labcorp
Classification: Pathogenic for Primary ciliary dyskinesia. Last evaluated: 2023-07-29. Review status: criteria provided, single submitter. Criteria: Invitae Variant Classification Sherloc (09022015). Collection method: clinical testing. Allele origin: germline.
Comment: This sequence change creates a premature translational stop signal (p.Arg333*) in the DNAH5 gene. It is expected to result in an absent or disrupted protein product. Loss-of-function variants in DNAH5 are known to be pathogenic (PMID: 11788826, 16627867). This variant is present in population databases (no rsID available, gnomAD 0.01%). This premature translational stop signal has been observed in individual(s) with clinical features of primary ciliary dyskinesia (PMID: 31638833, 33577779; Invitae). ClinVar contains an entry for this variant (Variation ID: 573133). For these reasons, this variant has been classified as Pathogenic.

Literature cited by the submitters: PubMed 11788826; PubMed 16627867; PubMed 31638833; PubMed 33577779.